The following is an entry in ClinVar:

NM_001754.5(RUNX1):c.768C>T (p.Ser256=)

Gene: RUNX1 (RUNX family transcription factor 1; minus strand). Cytogenetic location: 21q22.12.
Variant type: single nucleotide variant.
Coding change: c.768C>T on transcript NM_001754.5 (MANE Select); coding-DNA position 768, C replaced by T.
Protein change: p.Ser256=; no amino-acid change (serine 256 retained).
Molecular consequence: synonymous variant.
Genome position (GRCh38, 1-based): chr21:34,834,447, G>A on the plus strand (C>T on the coding strand, the complement: RUNX1 is on the minus strand). VCF-style: chr21-34834447-G-A. GRCh37 (hg19) VCF-style: chr21-36206744-G-A.
Other names: NM_001754.5(RUNX1):c.768C>T; p.Ser256=; c.687C>T, p.Ser229= (NM_001001890.3, NM_001122607.2).
Identifiers: ClinVar variation 464006 (VCV000464006.13), dbSNP rs780019726, ClinGen allele CA10014360.
Genomic context (GRCh38, chr21:34,834,447, plus strand): 5'-AGTGGGCTCCATCTGGTACTTACCCTGCATCTGACTCTGAGGCTGAGGGTTAAAGGCAGT[G>A]GAGTGGTTCAGGGAGGCACGAGGGTTGGGCGTGGGGGCTGGGTGGTGTGGGCTGACCCTC-3'
Protein context (NP_001745.2, residues 246-266): TPNPRASLNH[Ser256=]TAFNPQPQSQ

ClinVar aggregate classification (germline): Likely benign. Review status: reviewed by expert panel (3 of 4 stars). 2 submissions from 2 submitters: Likely benign (1). 1 of the submissions does not count toward it. Last evaluated 2026-04-29.

Conditions:
Hereditary thrombocytopenia and hematologic cancer predisposition syndrome. Identifiers: Orphanet 71290, MedGen CN281654, MONDO:0011071.
Hereditary thrombocytopenia and hematological cancer predisposition syndrome associated with RUNX1. Also called: PLATELET DISORDER, ASPIRIN-LIKE; Familial Platelet Disorder with Propensity to Acute Myelogenous Leukemia; Familial thrombocytopenia with propensity to acute myelogenous leukemia; RUNX1 Familial Platelet Disorder with Associated Myeloid Malignancies. Identifiers: Orphanet 71290, MedGen C1832388, MeSH C563324, MONDO:0100083, OMIM 601399.

Allele frequency attached by ClinVar (database versions not stated): gnomAD below 0.00001 and 0.00001; gnomAD exomes below 0.00001 and 0.00001; ExAC 0.00001.
gnomAD v4.1: 3 of 1,610,454 alleles (0.00019%); highest among the groups gnomAD compares: Admixed American, 0.0033%; no homozygotes.

Submissions (2):

ClinGen Myeloid Malignancy Variant Curation Expert Panel
Classification: Likely benign for Hereditary thrombocytopenia and hematologic cancer predisposition syndrome. Last evaluated: 2026-04-29. Review status: reviewed by expert panel. Criteria: ClinGen MyeloMalig ACMG Specifications V3.1. Collection method: curation. Allele origin: germline. Inheritance: Autosomal dominant inheritance.
Comment: NM_001754.5(RUNX1):c.768C>T (p.Ser256=) is a synonymous variant which has a SpliceAI score ≤ 0.20 (0.01) (BP4, BP7). This variant has a MAF ≤ 0.00005 in gnomAD v4 across all subpopulations with at least 20x coverage for RUNX1 (PM2_supporting). In summary, this variant meets criteria to be classified as likely benign. ACMG/AMP criteria applied, as specified by the Myeloid Malignancy Variant Curation Expert Panel for RUNX1: BP4, BP7, PM2_supporting.

Labcorp Genetics (formerly Invitae), Labcorp
Classification: Likely benign for Hereditary thrombocytopenia and hematological cancer predisposition syndrome associated with RUNX1. Last evaluated: 2024-04-11. Review status: criteria provided, single submitter. Criteria: Invitae Variant Classification Sherloc (09022015). Collection method: clinical testing. Allele origin: germline. Not counted in ClinVar's aggregate classification.